The following is an entry in ClinVar:

ClinVar aggregate classification (germline): Uncertain significance (1 of 4 stars; one submission).

Conditions:
Mitochondrial DNA depletion syndrome 13. Also called: FBXL4-Related Encephalomyopathic Mitochondrial DNA Depletion Syndrome; Mitochondrial DNA depletion syndrome 13 (encephalomyopathic type). Identifiers: Orphanet 369897, MedGen C3809592, MONDO:0014198, OMIM 615471.

Allele frequency attached by ClinVar (database versions not stated): gnomAD exomes below 0.00001; ExAC 0.00001.
gnomAD v4.1: 1 of 1,611,722 alleles (0.000062%); highest among the groups gnomAD compares: South Asian, 0.0011%; no homozygotes.

Submission:

Wong Mito Lab, Molecular and Human Genetics, Baylor College of Medicine
Classification: Uncertain significance for Mitochondrial DNA depletion syndrome 13. Last evaluated: 2017-08-10. Review status: criteria provided, single submitter. Criteria: ACMG Guidelines, 2015. Collection method: reference population. Allele origin: germline.
Comment: The NM_012160.4:c.547G>C (NP_036292.2:p.Val183Leu) [GRCH38: NC_000006.12:g.98917685C>G] variant in FBXL4 gene is interpretated to be a Uncertain Significance - Conflicting Evidence based on ACMG guidelines (PMID: 25741868). This variant meets one or more of the following evidence codes reported in the ACMG-guideline. PM2:This variant is absent in key population databases. BP4:Computational evidence/predictors indicate no impact on the FBXL4 structure, function, or protein-protein interaction. Based on this evidence code ClinGen Pathogenicity Calculator (PMID:28081714) suggested that the variant is Uncertain Significance - Conflicting Evidence.

NM_001278716.2(FBXL4):c.547G>C (p.Val183Leu)

Gene: FBXL4 (F-box and leucine rich repeat protein 4; minus strand). Cytogenetic location: 6q16.2.
Variant type: single nucleotide variant.
Coding change: c.547G>C on transcript NM_001278716.2 (MANE Select); coding-DNA position 547, G replaced by C.
Protein change: p.Val183Leu; replaces valine 183 with leucine.
Molecular consequence: missense variant.
Genome position (GRCh38, 1-based): chr6:98,917,685, C>G on the plus strand (G>C on the coding strand, the complement: FBXL4 is on the minus strand). VCF-style: chr6-98917685-C-G. GRCh37 (hg19) VCF-style: chr6-99365561-C-G.
Other names: c.547G>C, p.Val183Leu (NM_012160.5); short protein forms V183L.
Identifiers: ClinVar variation 437596 (VCV000437596.1), dbSNP rs774720010, ClinGen allele CA3933657.